The following is an entry in ClinVar:

ClinVar aggregate classification (germline): Pathogenic. Review status: criteria provided, multiple submitters, no conflicts (2 of 4 stars). 2 submissions from 2 submitters: Pathogenic (2). Last evaluated 2022-03-10.

Conditions:
Hereditary cancer-predisposing syndrome. Also called: Hereditary Cancer Syndrome; Neoplastic Syndromes, Hereditary; Hereditary neoplastic syndrome; Tumor predisposition. Identifiers: Orphanet 140162, MedGen C0027672, MeSH D009386, MONDO:0015356.
Retinoblastoma (RB1). Also called: RETINOBLASTOMA, SOMATIC. Identifiers: Orphanet 790, MedGen C0035335, MeSH D012175, MONDO:0008380, OMIM 180200, HP:0009919. Disease mechanism: loss of function. Inheritance: Both sporadic and heritable forms are tested..

Submissions (3):

Labcorp Genetics (formerly Invitae), Labcorp
Classification: Pathogenic for Retinoblastoma. Last evaluated: 2022-03-10. Review status: criteria provided, single submitter. Criteria: Invitae Variant Classification Sherloc (09022015). Collection method: clinical testing. Allele origin: germline.
Comment: This variant is not present in population databases (gnomAD no frequency). This sequence change falls in intron 19 of the RB1 gene. It does not directly change the encoded amino acid sequence of the RB1 protein. It affects a nucleotide within the consensus splice site. This variant has been observed in individual(s) with retinoblastoma (PMID: 14769601, 29662154, 33493472; Invitae). For these reasons, this variant has been classified as Pathogenic. Variants that disrupt the consensus splice site are a relatively common cause of aberrant splicing (PMID: 17576681, 9536098). Studies have shown that this variant alters mRNA splicing and is expected to lead to the loss of protein expression (PMID: 14769601, 29662154). ClinVar contains an entry for this variant (Variation ID: 428745). This variant is also known as g.153358G>C.

Ambry Genetics
Classification: Pathogenic for Hereditary cancer-predisposing syndrome. Last evaluated: 2015-03-09. Review status: criteria provided, single submitter. Criteria: Ambry Variant Classification Scheme 2023. Collection method: clinical testing. Allele origin: germline.
Comment: The c.1960+5G>C intronic pathogenic mutation results from a G to C substitution 5 nucleotides after coding exon 19 in the RB1 gene. In one study, this alteration was identified in one individual with a clinical diagnosis of hereditary retinoblastoma. Further functional analysis demonstrated that this alteration abolishes the native donor splice site, leading to the skipping of coding exon 19, a frameshift, and a new premature stop codon in coding exon 20 (Tsai T, Arch. Ophthalmol. 2004 Feb; 122(2):239-48). Based on the available evidence, c.1960+5G>C is classified as a pathogenic mutation.

Dr. Peter K. Rogan Lab, Western University
No classification provided (evidence only). Condition: Malignant tumor of urinary bladder. Review status: no classification provided. Collection method: in vitro. Allele origin: not applicable. Functional consequence: skipped exon, retained intron. Not counted in ClinVar's aggregate classification.

Literature cited by the submitters: PubMed 14769601 (cited by Labcorp Genetics (formerly Invitae), Labcorp and Ambry Genetics); PubMed 29662154 (cited by Labcorp Genetics (formerly Invitae), Labcorp); PubMed 33493472 (cited by Labcorp Genetics (formerly Invitae), Labcorp); PubMed 17576681 (cited by Labcorp Genetics (formerly Invitae), Labcorp); PubMed 9536098 (cited by Labcorp Genetics (formerly Invitae), Labcorp).

NM_000321.3(RB1):c.1960+5G>C

Gene: RB1 (RB transcriptional corepressor 1; plus strand). Cytogenetic location: 13q14.2.
Variant type: single nucleotide variant.
Coding change: c.1960+5G>C on transcript NM_000321.3 (MANE Select); 5 bases into the intron after coding-DNA position 1960, G replaced by C.
Molecular consequence: intron variant.
Genome position (GRCh38, 1-based): chr13:48,456,354, G>C. VCF-style: chr13-48456354-G-C. GRCh37 (hg19) VCF-style: chr13-49030490-G-C.
Identifiers: ClinVar variation 428745 (VCV000428745.11), dbSNP rs587778871, ClinGen allele CA645369526.